The following is an entry in ClinVar:

NM_000520.6(HEXA):c.347A>G (p.Tyr116Cys)

Gene: HEXA (hexosaminidase subunit alpha; minus strand). Cytogenetic location: 15q23.
Variant type: single nucleotide variant.
Coding change: c.347A>G on transcript NM_000520.6 (MANE Select); coding-DNA position 347, A replaced by G.
Protein change: p.Tyr116Cys; replaces tyrosine 116 with cysteine.
Molecular consequence: missense variant. On other transcripts: non-coding transcript variant (1).
Genome position (GRCh38, 1-based): chr15:72,355,624, T>C on the plus strand (A>G on the coding strand, the complement: HEXA is on the minus strand). VCF-style: chr15-72355624-T-C. GRCh37 (hg19) VCF-style: chr15-72647965-T-C.
Other names: c.380A>G, p.Tyr127Cys (NM_001318825.2); short protein forms Y127C, Y116C.
Identifiers: ClinVar variation 918074 (VCV000918074.3), dbSNP rs1282031681, ClinGen allele CA393066870.
Genomic context (GRCh38, chr15:72,355,624, plus strand): 5'-AGAGCTCCCCAGACAGTCTCAGAGAGGAGTAAACACTGGTCATCATTTATGGTCAGGGTA[T>C]CTGAAATGACAGAAATGAACTCATTTAGTTGGTTAAGGTTTTCTATTCTCAGATTATAGA-3'
Protein context (NP_000511.2, residues 106-126): QLPTLESVEN[Tyr116Cys]TLTINDDQCL

ClinVar aggregate classification (germline): Likely pathogenic. Review status: criteria provided, multiple submitters, no conflicts (2 of 4 stars). 2 submissions from 2 submitters: Likely pathogenic (2). Last evaluated 2025-09-19.

Conditions:
Tay-Sachs disease (TSD). Also called: HEXA DEFICIENCY; GM2 gangliosidosis, type 1; Hexosaminidase alpha-subunit deficiency (variant B); Sphingolipidosis, Tay-Sachs; HEXA Disorders; Hexosaminidase A Deficiency. Identifiers: Orphanet 845, MedGen C0039373, MONDO:0010100, OMIM 272800.

Submissions (2):

Natera, Inc.
Classification: Likely pathogenic for Tay-Sachs disease. Last evaluated: 2025-09-19. Review status: criteria provided, single submitter. Criteria: Natera Variant Classification Schema (03/2026). Collection method: clinical testing. Allele origin: germline.
Comment: The c.347A>G variant in HEXA is a missense variant predicted to cause substitution of tyrosine to cysteine at amino acid 116. This variant is rare in the general population with a frequency below the threshold expected for the associated phenotype(s). This variant has been observed in one or more individuals affected with the associated recessive disease, as either homozygous or compound heterozygous with a second variant (PMID: 39039281). This variant has been identified in one or more affected individual with a phenotype highly consistent with the associated gene (PMID: 39039281). Computational prediction algorithms indicate this variant is likely to affect gene or protein function. Given the available evidence, this variant is classified as Likely Pathogenic.

Institute for Genomic Statistics and Bioinformatics, University Hospital Bonn
Classification: Likely pathogenic for Tay-Sachs disease. Review status: criteria provided, single submitter. Criteria: ACMG Guidelines, 2015. Collection method: clinical testing. Allele origin: germline. Inheritance: Autosomal recessive inheritance. Affected: yes. Observed: 1 compound heterozygote.
Comment: The variant is thus compound heterozygous to the variant described above. This germ line variant is not listed in the population and phenotype databases. It concerns a highly conserved amino acid located in a functional domain. The mutation prediction programs Mutation Probe, SIFT, and Polyphen-2 estimate this variant as pathogenic; the CADD score is 33. The amino acid exchange by the above variant affects the first amino acid of exon 3, and to estimate a possible interference of the splice behavior by the above variant, different programs for the prediction of splice sites and splice enhancers were used with the help of the Alamut software. This in silica analysis does not provide any clear indication of a change in splice behavior. The canonical splice acceptor site is not significantly changed, but at the same position four of the five programs predict the emergence of a new splice donor site. It is therefore possible that this leads to a change in splicing behavior. An exact statement about the effect of the variant on the protein level is not possible. The ACMG classification for this variant is: variant probably pathogenic (class 4: PM2, PM3, PP3).

Literature cited by the submitters: PubMed 39039281 (cited by Natera, Inc.).